The following is an entry in ClinVar:

ClinVar aggregate classification (germline): Likely benign. Review status: criteria provided, multiple submitters, no conflicts (2 of 4 stars). 3 submissions from 3 submitters: Likely benign (3). Last evaluated 2025-08-25.

Conditions:
BIRC6-related disorder. Also called: BIRC6-related condition.

Allele frequency attached by ClinVar (database versions not stated): 1000 Genomes Project 30x 0.00078; 1000 Genomes Project 0.00080; gnomAD 0.00153; gnomAD exomes 0.00161 and 0.00230; TOPMed 0.00168; ExAC 0.00177; ESP Exome Variant Server 0.00223.
gnomAD v4.1: 3,568 of 1,613,890 alleles (0.22%); highest among the groups gnomAD compares: Non-Finnish European, 0.28%; 7 homozygotes.

Submissions (3):

PreventionGenetics, part of Exact Sciences
Classification: Likely benign for BIRC6-related condition. Last evaluated: 2025-08-25. Review status: criteria provided, single submitter. Criteria: ACMG Guidelines, 2015. Collection method: clinical testing. Allele origin: germline.
Comment: This variant is classified as likely benign based on ACMG/AMP sequence variant interpretation guidelines (Richards et al. 2015 PMID: 25741868, with internal and published modifications).

Labcorp Genetics (formerly Invitae), Labcorp
Classification: Likely benign. Last evaluated: 2018-03-29. Review status: criteria provided, single submitter. Criteria: Invitae Variant Classification Sherloc (09022015). Collection method: clinical testing. Allele origin: germline.

Breakthrough Genomics
Classification: Likely benign. Review status: criteria provided, single submitter. Criteria: ACMG Guidelines, 2015. Collection method: not provided. Allele origin: germline. Inheritance: Unknown mechanism. Affected: yes.

NM_016252.4(BIRC6):c.10865C>T (p.Ala3622Val)

Gene: BIRC6 (baculoviral IAP repeat containing 6; plus strand). Cytogenetic location: 2p22.3.
Variant type: single nucleotide variant.
Coding change: c.10865C>T on transcript NM_016252.4 (MANE Select); coding-DNA position 10865, C replaced by T.
Protein change: p.Ala3622Val; replaces alanine 3622 with valine.
Molecular consequence: missense variant.
Genome position (GRCh38, 1-based): chr2:32,515,286, C>T. VCF-style: chr2-32515286-C-T. GRCh37 (hg19) VCF-style: chr2-32740353-C-T.
Other names: c.10862C>T, p.Ala3621Val (NM_001378125.1); short protein forms A3622V, A3621V.
Identifiers: ClinVar variation 720830 (VCV000720830.5), dbSNP rs61757638, ClinGen allele CA1604874.